The following is an entry in ClinVar:

NM_001267550.2(TTN):c.77113del (p.Lys25704_Ile25705insTer)

Genes: TTN (titin; minus strand), TTN-AS1 (TTN antisense RNA 1; plus strand). Cytogenetic location: 2q31.2.
Variant type: Deletion.
Coding change: c.77113del on transcript NM_001267550.2 (MANE Select); coding-DNA position 77113, one base deleted (A; older notation c.77113delA).
Protein change: p.Lys25704_Ile25705insTer.
Molecular consequence: nonsense.
Genome position (GRCh38, 1-based): chr2:178,569,019, T deleted on the plus strand (A on the coding strand, the reverse complement: TTN is on the minus strand); the first of 5 consecutive T bases (chr2:178,569,019-178,569,023); deleting any one gives the same sequence. VCF-style (leftmost placement, unchanged base first): chr2-178569018-AT-A. GRCh37 (hg19) VCF-style: chr2-179433745-AT-A.
Other names: c.72190del, p.Lys24063_Ile24064insTer (NM_001256850.1); c.49918del, p.Lys16639_Ile16640insTer (NM_003319.4); c.69409del, p.Lys23136_Ile23137insTer (NM_133378.4); c.50293del, p.Lys16764_Ile16765insTer (NM_133432.3); c.50494del, p.Lys16831_Ile16832insTer (NM_133437.4); c.49918delA (NM_003319.4).
Identifiers: ClinVar variation 3223289 (VCV003223289.1), dbSNP rs2468387098, ClinGen allele CA2825001007.

ClinVar aggregate classification (germline): Likely pathogenic (1 of 4 stars; one submission).

Conditions:
Cardiovascular phenotype. Identifiers: MedGen CN230736.

Submission:

Ambry Genetics
Classification: Likely pathogenic for Cardiovascular phenotype. Last evaluated: 2024-01-16. Review status: criteria provided, single submitter. Criteria: Ambry Variant Classification Scheme 2023. Collection method: clinical testing. Allele origin: germline.
Comment: The c.49918delA variant, located in coding exon 153 of the TTN gene, results from a deletion of one nucleotide at nucleotide position 49918, causing a translational frameshift with a predicted alternate stop codon (p.I16640*). This exon is located in the A-band region of the N2-B isoform of the titin protein and is constitutively expressed in TTN transcripts (percent spliced in or PSI 100%). This alteration is expected to result in loss of function by premature protein truncation or nonsense-mediated mRNA decay. While truncating variants in TTN are present in 1-3% of the general population, truncating variants in the A-band are the most common cause of dilated cardiomyopathy (DCM) (Herman DS et al. N. Engl. J. Med., 2012 Feb;366:619-28; Roberts AM et al. Sci Transl Med, 2015 Jan;7:270ra6). TTN truncating variants encoded in constitutive exons (PSI >90%) have been found to be significantly associated with DCM regardless of their position in titin (Schafer S et al. Nat. Genet., 2017 01;49:46-53). This variant is considered to be rare based on population cohorts in the Genome Aggregation Database (gnomAD). Based on the majority of available evidence to date, this variant is likely to be pathogenic.